The following is an entry in ClinVar:

NM_012470.4(TNPO3):c.321+4A>G

Gene: TNPO3 (transportin 3; minus strand). Cytogenetic location: 7q32.1.
Variant type: single nucleotide variant.
Coding change: c.321+4A>G on transcript NM_012470.4 (MANE Select); 4 bases into the intron after coding-DNA position 321, A replaced by G.
Molecular consequence: intron variant.
Genome position (GRCh38, 1-based): chr7:129,017,953, T>C on the plus strand (A>G on the coding strand, the complement: TNPO3 is on the minus strand). VCF-style: chr7-129017953-T-C. GRCh37 (hg19) VCF-style: chr7-128658007-T-C.
Other names: c.321+4A>G (NM_001382216.1, NM_001382217.1, NM_001382221.1 and 6 more transcripts).
Identifiers: ClinVar variation 2018632 (VCV002018632.4), dbSNP rs1804034020, ClinGen allele CA1742655641.

ClinVar aggregate classification (germline): Uncertain significance (1 of 4 stars; one submission).

Conditions:
Autosomal dominant limb-girdle muscular dystrophy type 1F (LGMDD2). Also called: MUSCULAR DYSTROPHY, LIMB-GIRDLE, AUTOSOMAL DOMINANT 2; Limb-girdle muscular dystrophy, type 1F. Identifiers: Orphanet 55595, MedGen C1842062, MONDO:0012034, OMIM 608423.

Submission:

Labcorp Genetics (formerly Invitae), Labcorp
Classification: Uncertain significance for Autosomal dominant limb-girdle muscular dystrophy type 1F. Last evaluated: 2022-07-21. Review status: criteria provided, single submitter. Criteria: Invitae Variant Classification Sherloc (09022015). Collection method: clinical testing. Allele origin: germline.
Comment: In summary, the available evidence is currently insufficient to determine the role of this variant in disease. Therefore, it has been classified as a Variant of Uncertain Significance. Variants that disrupt the consensus splice site are a relatively common cause of aberrant splicing (PMID: 17576681, 9536098). Algorithms developed to predict the effect of sequence changes on RNA splicing suggest that this variant is not likely to affect RNA splicing. This variant has not been reported in the literature in individuals affected with TNPO3-related conditions. This variant is not present in population databases (gnomAD no frequency). This sequence change falls in intron 2 of the TNPO3 gene. It does not directly change the encoded amino acid sequence of the TNPO3 protein. It affects a nucleotide within the consensus splice site.

Literature cited by the submitters: PubMed 17576681; PubMed 9536098.